The following is an entry in ClinVar:

ClinVar aggregate classification (germline): Pathogenic (1 of 4 stars; one submission).

Submission:

GeneDx
Classification: Pathogenic. Last evaluated: 2025-05-29. Review status: criteria provided, single submitter. Criteria: GeneDx Variant Classification Process June 2021. Collection method: clinical testing. Allele origin: germline. Affected: yes.
Comment: Not observed at significant frequency in large population cohorts (gnomAD); Nonsense variant predicted to result in protein truncation or nonsense mediated decay in a gene for which loss of function is a known mechanism of disease; This variant is associated with the following publications: (PMID: 36221391, 34466801, 32484994, 34837429)

NM_005654.6(NR2F1):c.115G>T (p.Glu39Ter)

Genes: NR2F1 (nuclear receptor subfamily 2 group F member 1; plus strand), NR2F1-AS1 (NR2F1 regulatory antisense RNA 1; minus strand). Cytogenetic location: 5q15.
Variant type: single nucleotide variant.
Coding change: c.115G>T on transcript NM_005654.6 (MANE Select); coding-DNA position 115, G replaced by T.
Protein change: p.Glu39Ter; replaces glutamic acid 39 with a stop codon.
Molecular consequence: nonsense.
Genome position (GRCh38, 1-based): chr5:93,585,138, G>T. VCF-style: chr5-93585138-G-T. GRCh37 (hg19) VCF-style: chr5-92920844-G-T.
Other names: short protein forms E39*.
Identifiers: ClinVar variation 4532356 (VCV004532356.1).